The following is an entry in ClinVar:

NM_002439.5(MSH3):c.1261C>G (p.Leu421Val)

Gene: MSH3 (mutS homolog 3; plus strand). Cytogenetic location: 5q14.1.
Variant type: single nucleotide variant.
Coding change: c.1261C>G on transcript NM_002439.5 (MANE Select); coding-DNA position 1261, C replaced by G.
Protein change: p.Leu421Val; replaces leucine 421 with valine.
Molecular consequence: missense variant.
Genome position (GRCh38, 1-based): chr5:80,679,014, C>G. VCF-style: chr5-80679014-C-G. GRCh37 (hg19) VCF-style: chr5-79974833-C-G.
Other names: short protein forms L421V.
Identifiers: ClinVar variation 641607 (VCV000641607.20), dbSNP rs750697976, ClinGen allele CA3327845.

ClinVar aggregate classification (germline): Uncertain significance. Review status: criteria provided, multiple submitters, no conflicts (2 of 4 stars). 5 submissions from 5 submitters: Uncertain significance (5). Last evaluated 2026-01-14.

Conditions:
Hereditary cancer-predisposing syndrome. Also called: Hereditary neoplastic syndrome; Hereditary Cancer Syndrome; Tumor predisposition; Neoplastic Syndromes, Hereditary. Identifiers: Orphanet 140162, MedGen C0027672, MeSH D009386, MONDO:0015356.
Familial adenomatous polyposis 4 (FAP4). Also called: MSH3-related attenuated familial adenomatous polyposis. Identifiers: Orphanet 480536, MedGen C4310719, MONDO:0044300, OMIM 617100.

Allele frequency attached by ClinVar (database versions not stated): gnomAD exomes 0.00005 and 0.00002; gnomAD 0.00001; ExAC 0.00002; TOPMed 0.00002.
gnomAD v4.1: 72 of 1,614,064 alleles (0.0045%); highest among the groups gnomAD compares: Non-Finnish European, 0.0058%; no homozygotes.

Submissions (5):

Labcorp Genetics (formerly Invitae), Labcorp
Classification: Uncertain significance. Last evaluated: 2026-01-14. Review status: criteria provided, single submitter. Criteria: Invitae Variant Classification Sherloc (09022015). Collection method: clinical testing. Allele origin: germline.
Comment: This sequence change replaces leucine, which is neutral and non-polar, with valine, which is neutral and non-polar, at codon 421 of the MSH3 protein (p.Leu421Val). This variant is present in population databases (rs750697976, gnomAD 0.004%). This variant has not been reported in the literature in individuals affected with MSH3-related conditions. ClinVar contains an entry for this variant (Variation ID: 641607). An algorithm developed to predict the effect of missense changes on protein structure and function (PolyPhen-2) suggests that this variant is likely to be disruptive. In summary, the available evidence is currently insufficient to determine the role of this variant in disease. Therefore, it has been classified as a Variant of Uncertain Significance.

Ambry Genetics
Classification: Uncertain significance for Hereditary cancer-predisposing syndrome. Last evaluated: 2025-10-10. Review status: criteria provided, single submitter. Criteria: Ambry Variant Classification Scheme 2023. Collection method: clinical testing. Allele origin: germline.
Comment: The p.L421V variant (also known as c.1261C>G), located in coding exon 8 of the MSH3 gene, results from a C to G substitution at nucleotide position 1261. The leucine at codon 421 is replaced by valine, an amino acid with highly similar properties. This amino acid position is well conserved in available vertebrate species. In addition, the in silico prediction for this alteration is inconclusive. Based on the available evidence, the clinical significance of this variant remains unclear.

Blueprint Genetics
Classification: Uncertain significance. Last evaluated: 2024-07-05. Review status: criteria provided, single submitter. Criteria: ACMG Guidelines, 2015. Collection method: clinical testing. Allele origin: germline.

GeneDx
Classification: Uncertain significance. Last evaluated: 2022-07-29. Review status: criteria provided, single submitter. Criteria: GeneDx Variant Classification Process June 2021. Collection method: clinical testing. Allele origin: germline. Affected: yes.
Comment: Not observed at significant frequency in large population cohorts (gnomAD); In silico analysis supports that this missense variant does not alter protein structure/function; Has not been previously published as pathogenic or benign to our knowledge

St. Jude Molecular Pathology, St. Jude Children's Research Hospital
Classification: Uncertain significance for Familial adenomatous polyposis 4. Last evaluated: 2022-01-27. Review status: criteria provided, single submitter. Criteria: St. Jude Assertion Criteria 2020. Collection method: clinical testing. Allele origin: germline.
Comment: The MSH3 c.1261C>G (p.Leu421Val) missense change has a maximum subpopulation frequency of 0.0044% in gnomAD v2.1.1. Seven of seven in silico tools predict a deleterious effect of this variant on protein function (PP3), but to our knowledge these predictions have not been confirmed by functional assays. To our knowledge, this variant has not been reported in individuals with familial adenomatous polyposis. In summary, this variant meets criteria to be classified as of uncertain significance based on the ACMG/AMP criteria: PM2_Supporting, PP3.